The following is an entry in ClinVar:

Single allele

Genes: SRL (sarcalumenin; minus strand), TFAP4 (transcription factor AP-4; minus strand), GLIS2 (GLIS family zinc finger 2; plus strand), GLIS2-AS1 (GLIS2 antisense RNA 1; minus strand), LINC01569 (long intergenic non-protein coding RNA 1569; minus strand) and 7 more. Cytogenetic location: 16p13.3.
Variant type: Deletion.
Identifiers: ClinVar variation 559402 (VCV000559402.1).

ClinVar aggregate classification (germline): Uncertain significance (0 of 4 stars; one submission).

Conditions:
Secondary microcephaly. Also called: Postnatal microcephaly. Identifiers: MedGen C0431352, HP:0005484.
Atypical behavior. Also called: Behavioral abnormality; Behavioral disorders. Identifiers: MedGen C0004941, HP:0000708.
Mild intellectual disability. Identifiers: MedGen C0026106, HP:0001256.
Prominent nasal bridge. Identifiers: MedGen C1854113, HP:0000426.
Underdeveloped nasal alae. Identifiers: MedGen C1834055, HP:0000430.
Low-set ears. Identifiers: MedGen C0239234, HP:0000369.

Submission:

Medical Genetics Lab, Policlinico S. Orsola.Malpighi
Classification: Uncertain significance for Mild intellectual disability; Secondary microcephaly; Atypical behavior; Prominent nasal bridge; Underdeveloped nasal alae; Low-set ears. Last evaluated: 2018-05-01. Review status: no assertion criteria provided. Collection method: clinical testing. Allele origin: de novo. Affected: yes.
Comment: This is a small, rare, de novo deletion. Three genes are involved but none is known to be relevant for neurologic development.